The following is an entry in ClinVar:

NM_183357.3(ADCY5):c.2504C>A (p.Thr835Asn)

Gene: ADCY5 (adenylate cyclase 5; minus strand). Cytogenetic location: 3q21.1.
Variant type: single nucleotide variant.
Coding change: c.2504C>A on transcript NM_183357.3 (MANE Select); coding-DNA position 2504, C replaced by A.
Protein change: p.Thr835Asn; replaces threonine 835 with asparagine.
Molecular consequence: missense variant.
Genome position (GRCh38, 1-based): chr3:123,304,122, G>T on the plus strand (C>A on the coding strand, the complement: ADCY5 is on the minus strand). VCF-style: chr3-123304122-G-T. GRCh37 (hg19) VCF-style: chr3-123022969-G-T.
Other names: c.1454C>A, p.Thr485Asn (NM_001199642.1); c.2504C>A, p.Thr835Asn (NM_001378259.1); short protein forms T485N, T835N.
Identifiers: ClinVar variation 1383063 (VCV001383063.6), dbSNP rs1940057089, ClinGen allele CA354225418.

ClinVar aggregate classification (germline): Uncertain significance (1 of 4 stars; one submission).

Allele frequency attached by ClinVar (database versions not stated): TOPMed below 0.00001.

Submission:

Labcorp Genetics (formerly Invitae), Labcorp
Classification: Uncertain significance. Last evaluated: 2023-05-10. Review status: criteria provided, single submitter. Criteria: Invitae Variant Classification Sherloc (09022015). Collection method: clinical testing. Allele origin: germline.
Comment: This variant is not present in population databases (gnomAD no frequency). This sequence change replaces threonine, which is neutral and polar, with asparagine, which is neutral and polar, at codon 835 of the ADCY5 protein (p.Thr835Asn). This missense change has been observed in individual(s) with dystonia (Invitae). ClinVar contains an entry for this variant (Variation ID: 1383063). Advanced modeling of protein sequence and biophysical properties (such as structural, functional, and spatial information, amino acid conservation, physicochemical variation, residue mobility, and thermodynamic stability) performed at Invitae indicates that this missense variant is not expected to disrupt ADCY5 protein function. In summary, the available evidence is currently insufficient to determine the role of this variant in disease. Therefore, it has been classified as a Variant of Uncertain Significance.